The following is an entry in ClinVar:

NM_001613.4(ACTA2):c.1000C>A (p.Pro334Thr)

Genes: ACTA2 (actin alpha 2, smooth muscle; minus strand), ACTA2-AS1 (ACTA2 antisense RNA 1; plus strand). Cytogenetic location: 10q23.31.
Variant type: single nucleotide variant.
Coding change: c.1000C>A on transcript NM_001613.4 (MANE Select); coding-DNA position 1000, C replaced by A.
Protein change: p.Pro334Thr; replaces proline 334 with threonine.
Molecular consequence: missense variant. On other transcripts: non-coding transcript variant (1).
Genome position (GRCh38, 1-based): chr10:88,935,357, G>T on the plus strand (C>A on the coding strand, the complement: ACTA2 is on the minus strand). VCF-style: chr10-88935357-G-T. GRCh37 (hg19) VCF-style: chr10-90695114-G-T.
Other names: c.1000C>A, p.Pro334Thr (NM_001141945.3, NM_001320855.2, NM_001406462.1 and 2 more transcripts); c.889C>A, p.Pro297Thr (NM_001406466.1); c.871C>A, p.Pro291Thr (NM_001406467.1, NM_001406468.1, NM_001406469.1); c.808C>A, p.Pro270Thr (NM_001406471.1); short protein forms P297T, P270T, P334T, P291T.
Identifiers: ClinVar variation 4795650 (VCV004795650.1).

ClinVar aggregate classification (germline): Uncertain significance (1 of 4 stars; one submission).

Submission:

GeneDx
Classification: Uncertain significance. Last evaluated: 2025-08-11. Review status: criteria provided, single submitter. Criteria: GeneDx Variant Classification Process June 2021. Collection method: clinical testing. Allele origin: germline. Affected: yes.
Comment: Not observed at significant frequency in large population cohorts (gnomAD); In silico analysis supports that this missense variant has a deleterious effect on protein structure/function; Has not been previously published as pathogenic or benign to our knowledge